The following is an entry in ClinVar:

ClinVar aggregate classification (germline): Uncertain significance (1 of 4 stars; one submission).

Conditions:
Microcephaly, normal intelligence and immunodeficiency (NBS). Also called: Nijmegen breakage syndrome; Microcephaly with normal intelligence immunodeficiency and lymphoreticular malignancies; Nonsyndromal microcephaly autosomal recessive with normal intelligence; Seemanova syndrome 2; SEEMANOVA SYNDROME II; IMMUNODEFICIENCY, MICROCEPHALY, AND CHROMOSOMAL INSTABILITY. Identifiers: Orphanet 647, MedGen C0398791, MONDO:0009623, OMIM 251260.

Allele frequency attached by ClinVar (database versions not stated): gnomAD exomes below 0.00001.
gnomAD v4.1: 1 of 1,597,908 alleles (0.000063%); highest among the groups gnomAD compares: African/African-American, 0.0013%; no homozygotes.

Submission:

Labcorp Genetics (formerly Invitae), Labcorp
Classification: Uncertain significance for Microcephaly, normal intelligence and immunodeficiency. Last evaluated: 2021-08-27. Review status: criteria provided, single submitter. Criteria: Invitae Variant Classification Sherloc (09022015). Collection method: clinical testing. Allele origin: germline.
Comment: This sequence change falls in intron 7 of the NBN gene. It does not directly change the encoded amino acid sequence of the NBN protein. It affects a nucleotide within the consensus splice site of the intron. This variant is not present in population databases (ExAC no frequency). This variant has not been reported in the literature in individuals affected with NBN-related conditions. Variants that disrupt the consensus splice site are a relatively common cause of aberrant splicing (PMID: 17576681, 9536098). Algorithms developed to predict the effect of sequence changes on RNA splicing suggest that this variant is not likely to affect RNA splicing. In summary, the available evidence is currently insufficient to determine the role of this variant in disease. Therefore, it has been classified as a Variant of Uncertain Significance.

Literature cited by the submitters: PubMed 17576681; PubMed 9536098.

NM_002485.5(NBN):c.896+6G>T

Gene: NBN (nibrin; minus strand). Cytogenetic location: 8q21.3.
Variant type: single nucleotide variant.
Coding change: c.896+6G>T on transcript NM_002485.5 (MANE Select); 6 bases into the intron after coding-DNA position 896, G replaced by T.
Molecular consequence: intron variant.
Genome position (GRCh38, 1-based): chr8:89,970,358, C>A on the plus strand (G>T on the coding strand, the complement: NBN is on the minus strand). VCF-style: chr8-89970358-C-A. GRCh37 (hg19) VCF-style: chr8-90982586-C-A.
Other names: c.650+6G>T (NM_001024688.3).
Identifiers: ClinVar variation 1056063 (VCV001056063.6), dbSNP rs1811448021, ClinGen allele CA2499219433.